The following is an entry in ClinVar:

ClinVar aggregate classification (germline): Benign (1 of 4 stars; one submission).

Conditions:
Kindler syndrome (KNDLRS). Also called: BULLOUS ACROKERATOTIC POIKILODERMA OF KINDLER AND WEARY; POIKILODERMA, CONGENITAL, WITH BULLAE, WEARY TYPE; POIKILODERMA, HEREDITARY ACROKERATOTIC; Hereditary acrokeratotic poikiloderma of Weary; Poikiloderma of Kindler; Congenital bullous poikiloderma. Identifiers: Orphanet 2908, Orphanet 306539, MedGen C0406557, MONDO:0008260, OMIM 173650.

Allele frequency attached by ClinVar (database versions not stated): 1000 Genomes Project 30x 0.00625; 1000 Genomes Project 0.00679; gnomAD 0.00688 and 0.00733; TOPMed 0.00751.

Submission:

Illumina Laboratory Services, Illumina
Classification: Benign for Kindler syndrome. Last evaluated: 2018-01-13. Review status: criteria provided, single submitter. Criteria: ICSL Variant Classification Criteria 13 December 2019. Collection method: clinical testing. Allele origin: germline.
Comment: This variant was observed in the ICSL laboratory as part of a predisposition screen in an ostensibly healthy population. It had not been previously curated by ICSL or reported in the Human Gene Mutation Database (HGMD: prior to June 1st, 2018), and was therefore a candidate for classification through an automated scoring system. Utilizing variant allele frequency, disease prevalence and penetrance estimates, and inheritance mode, an automated score was calculated to assess if this variant is too frequent to cause the disease. Based on the score and internal cut-off values, a variant classified as benign is not then subjected to further curation. The score for this variant resulted in a classification of benign for this disease.

NM_017671.5(FERMT1):c.*1458C>T

Gene: FERMT1 (FERM domain containing kindlin 1; minus strand). Cytogenetic location: 20p12.3.
Variant type: single nucleotide variant.
Coding change: c.*1458C>T on transcript NM_017671.5 (MANE Select); 1458 bases downstream of the stop codon, C replaced by T.
Molecular consequence: 3 prime UTR variant.
Genome position (GRCh38, 1-based): chr20:6,075,715, G>A on the plus strand (C>T on the coding strand, the complement: FERMT1 is on the minus strand). VCF-style: chr20-6075715-G-A. GRCh37 (hg19) VCF-style: chr20-6056362-G-A.
Identifiers: ClinVar variation 339181 (VCV000339181.5), dbSNP rs149665640, ClinGen allele CA10652749.
Genomic context (GRCh38, chr20:6,075,715, plus strand): 5'-GTCTCACTTCTCAGAGGGCTTTGATGGAAAATAAAGCAACAGCTGACGCTCACGGGCCTC[G>A]GAACTCTGGCCAGGCTCCCTGAGGGGTGCATCCTAGGAGAACTGAAAAATGGGATTGGAG-3'